The following is an entry in ClinVar:

ClinVar aggregate classification (germline): Uncertain significance (1 of 4 stars; one submission).

gnomAD v4.1: 48 of 1,614,024 alleles (0.003%); highest among the groups gnomAD compares: Non-Finnish European, 0.0038%; no homozygotes.

Submission:

Labcorp Genetics (formerly Invitae), Labcorp
Classification: Uncertain significance. Last evaluated: 2024-06-02. Review status: criteria provided, single submitter. Criteria: Invitae Variant Classification Sherloc (09022015). Collection method: clinical testing. Allele origin: germline.
Comment: This sequence change replaces isoleucine, which is neutral and non-polar, with threonine, which is neutral and polar, at codon 813 of the ALPK1 protein (p.Ile813Thr). This variant is present in population databases (no rsID available, gnomAD 0.01%). This variant has not been reported in the literature in individuals affected with ALPK1-related conditions. Advanced modeling of protein sequence and biophysical properties (such as structural, functional, and spatial information, amino acid conservation, physicochemical variation, residue mobility, and thermodynamic stability) performed at Invitae indicates that this missense variant is not expected to disrupt ALPK1 protein function with a negative predictive value of 80%. In summary, the available evidence is currently insufficient to determine the role of this variant in disease. Therefore, it has been classified as a Variant of Uncertain Significance.

NM_025144.4(ALPK1):c.2438T>C (p.Ile813Thr)

Gene: ALPK1 (alpha kinase 1; plus strand). Cytogenetic location: 4q25.
Variant type: single nucleotide variant.
Coding change: c.2438T>C on transcript NM_025144.4 (MANE Select); coding-DNA position 2438, T replaced by C.
Protein change: p.Ile813Thr; replaces isoleucine 813 with threonine.
Molecular consequence: missense variant.
Genome position (GRCh38, 1-based): chr4:112,431,985, T>C. VCF-style: chr4-112431985-T-C. GRCh37 (hg19) VCF-style: chr4-113353141-T-C.
Other names: c.2438T>C, p.Ile813Thr (NM_001102406.2); c.2204T>C, p.Ile735Thr (NM_001253884.2); short protein forms I735T, I813T.
Identifiers: ClinVar variation 3611188 (VCV003611188.2).
Genomic context (GRCh38, chr4:112,431,985, plus strand): 5'-AAAGCACTGAAGATGCACCCTTAGACTTTCACAGGGTCCTGCACAATTCTCTGGGAAACA[T>C]TTCCATGCTGCCATGTAGCTCCTTCACCCCTAATTGGCCTGTTCAAAATCCTGACTCCAG-3'
Protein context (NP_079420.3, residues 803-823): HRVLHNSLGN[Ile813Thr]SMLPCSSFTP